The following is an entry in ClinVar:

ClinVar aggregate classification (germline): Uncertain significance (1 of 4 stars; one submission).

Conditions:
Gorlin syndrome. Also called: Nevoid Basal Cell Carcinoma Syndrome; Basal cell nevus syndrome. Identifiers: Orphanet 377, MedGen C0004779, MONDO:0007187.

Submission:

Labcorp Genetics (formerly Invitae), Labcorp
Classification: Uncertain significance for Gorlin syndrome. Last evaluated: 2020-06-25. Review status: criteria provided, single submitter. Criteria: Invitae Variant Classification Sherloc (09022015). Collection method: clinical testing. Allele origin: germline.
Comment: In summary, the available evidence is currently insufficient to determine the role of this variant in disease. Therefore, it has been classified as a Variant of Uncertain Significance. Algorithms developed to predict the effect of missense changes on protein structure and function (SIFT, PolyPhen-2, Align-GVGD) all suggest that this variant is likely to be tolerated, but these predictions have not been confirmed by published functional studies and their clinical significance is uncertain. This variant has not been reported in the literature in individuals with PTCH1-related conditions. This variant is not present in population databases (ExAC no frequency). This sequence change replaces glutamic acid with lysine at codon 286 of the PTCH1 protein (p.Glu286Lys). The glutamic acid residue is moderately conserved and there is a small physicochemical difference between glutamic acid and lysine.

NM_000264.5(PTCH1):c.856G>A (p.Glu286Lys)

Gene: PTCH1 (patched 1; minus strand). Cytogenetic location: 9q22.32.
Variant type: single nucleotide variant.
Coding change: c.856G>A on transcript NM_000264.5 (MANE Select); coding-DNA position 856, G replaced by A.
Protein change: p.Glu286Lys; replaces glutamic acid 286 with lysine.
Molecular consequence: missense variant. On other transcripts: non-coding transcript variant (1).
Genome position (GRCh38, 1-based): chr9:95,480,479, C>T on the plus strand (G>A on the coding strand, the complement: PTCH1 is on the minus strand). VCF-style: chr9-95480479-C-T. GRCh37 (hg19) VCF-style: chr9-98242761-C-T.
Other names: c.658G>A, p.Glu220Lys (NM_001083602.3); c.853G>A, p.Glu285Lys (NM_001083603.3); c.403G>A, p.Glu135Lys (NM_001083604.3, NM_001083605.3, NM_001083606.3 and 1 more transcripts); c.856G>A, p.Glu286Lys (NM_001354918.2); short protein forms E135K, E220K, E285K, E286K.
Identifiers: ClinVar variation 1001702 (VCV001001702.9), dbSNP rs1841450226, ClinGen allele CA374114008.